The following is an entry in ClinVar:

NM_006915.3(RP2):c.979T>A (p.Ser327Thr)

Gene: RP2 (RP2 activator of ARL3 GTPase; plus strand). Cytogenetic location: Xp11.3.
Variant type: single nucleotide variant.
Coding change: c.979T>A on transcript NM_006915.3 (MANE Select); coding-DNA position 979, T replaced by A.
Protein change: p.Ser327Thr; replaces serine 327 with threonine.
Molecular consequence: missense variant.
Genome position (GRCh38, 1-based): chrX:46,879,695, T>A. VCF-style: chrX-46879695-T-A. GRCh37 (hg19) VCF-style: chrX-46739130-T-A.
Other names: short protein forms S327T.
Identifiers: ClinVar variation 4984571 (VCV004984571.1).

ClinVar aggregate classification (germline): Uncertain significance (1 of 4 stars; one submission).

Conditions:
RP2-related disorder. Also called: RP2-related condition.

gnomAD v4.1: 3 of 1,187,089 alleles (0.00025%); highest among the groups gnomAD compares: Admixed American, 0.0022%; no homozygotes.

Submission:

PreventionGenetics, part of Exact Sciences
Classification: Uncertain significance for RP2-related condition. Last evaluated: 2025-03-07. Review status: criteria provided, single submitter. Criteria: ACMG Guidelines, 2015. Collection method: clinical testing. Allele origin: germline.
Comment: The RP2 c.979T>A variant is predicted to result in the amino acid substitution p.Ser327Thr. To our knowledge, this variant has not been reported in the literature or in a large population database (gnomAD), indicating this variant is rare. At this time, the clinical significance of this variant is uncertain due to the absence of conclusive functional and genetic evidence.